The following is an entry in ClinVar:

NM_002582.4(PARN):c.32A>G (p.Asn11Ser)

Gene: PARN (poly(A)-specific ribonuclease; minus strand). Cytogenetic location: 16p13.12.
Variant type: single nucleotide variant.
Coding change: c.32A>G on transcript NM_002582.4 (MANE Select); coding-DNA position 32, A replaced by G.
Protein change: p.Asn11Ser; replaces asparagine 11 with serine.
Molecular consequence: missense variant. On other transcripts: 5 prime UTR variant (1).
Genome position (GRCh38, 1-based): chr16:14,629,662, T>C on the plus strand (A>G on the coding strand, the complement: PARN is on the minus strand). VCF-style: chr16-14629662-T-C. GRCh37 (hg19) VCF-style: chr16-14723519-T-C.
Other names: c.32A>G (NM_002582.3); c.-152A>G (NM_001134477.3); c.32A>G, p.Asn11Ser (NM_001242992.2); short protein forms N11S.
Identifiers: ClinVar variation 2169693 (VCV002169693.6), dbSNP rs754141670, ClinGen allele CA7912562.

ClinVar aggregate classification (germline): Uncertain significance. Review status: criteria provided, multiple submitters, no conflicts (2 of 4 stars). 3 submissions from 3 submitters: Uncertain significance (3). Last evaluated 2026-09-10.

Conditions:
Inborn genetic diseases. Identifiers: MedGen C0950123, MeSH D030342.
PARN-related disorder. Also called: PARN-related condition; PARN-related disorders.
Pulmonary fibrosis and/or bone marrow failure, Telomere-related, 4. Also called: PULMONARY FIBROSIS AND/OR BONE MARROW FAILURE SYNDROME, TELOMERE-RELATED, 4. Identifiers: Orphanet 2032, MedGen C4225347, MONDO:0014612, OMIM 616371.
Dyskeratosis congenita, autosomal recessive 6 (DKCB6). Identifiers: MedGen C4225356, MONDO:0014600, OMIM 616353.

Allele frequency attached by ClinVar (database versions not stated): gnomAD 0.00001; TOPMed 0.00001.
gnomAD v4.1: 12 of 1,612,536 alleles (0.00074%); highest among the groups gnomAD compares: Admixed American, 0.0083%; no homozygotes.

Submissions (3):

PreventionGenetics, part of Exact Sciences
Classification: Uncertain significance for PARN-related condition. Last evaluated: 2026-09-10. Review status: criteria provided, single submitter. Criteria: ACMG Guidelines, 2015. Collection method: clinical testing. Allele origin: germline.
Comment: The PARN c.32A>G variant is predicted to result in the amino acid substitution p.Asn11Ser. To our knowledge, this variant has not been reported in the literature. This variant is reported in 0.014% of alleles in individuals of Latino descent in gnomAD. At this time, the clinical significance of this variant is uncertain due to the absence of conclusive functional and genetic evidence.

Ambry Genetics
Classification: Uncertain significance for Inborn genetic diseases. Last evaluated: 2024-12-31. Review status: criteria provided, single submitter. Criteria: Ambry Variant Classification Scheme 2023. Collection method: clinical testing. Allele origin: germline.

Labcorp Genetics (formerly Invitae), Labcorp
Classification: Uncertain significance for Dyskeratosis congenita, autosomal recessive 6; Pulmonary fibrosis and/or bone marrow failure, Telomere-related, 4. Last evaluated: 2022-04-20. Review status: criteria provided, single submitter. Criteria: Invitae Variant Classification Sherloc (09022015). Collection method: clinical testing. Allele origin: germline.
Comment: In summary, the available evidence is currently insufficient to determine the role of this variant in disease. Therefore, it has been classified as a Variant of Uncertain Significance. Algorithms developed to predict the effect of missense changes on protein structure and function (SIFT, PolyPhen-2, Align-GVGD) all suggest that this variant is likely to be tolerated. This variant has not been reported in the literature in individuals affected with PARN-related conditions. This variant is present in population databases (rs754141670, gnomAD 0.01%). This sequence change replaces asparagine, which is neutral and polar, with serine, which is neutral and polar, at codon 11 of the PARN protein (p.Asn11Ser).